The following is an entry in ClinVar:

NM_001130144.3(LTBP3):c.3392C>T (p.Ala1131Val)

Genes: LTBP3 (latent transforming growth factor beta binding protein 3; minus strand), LOC130006027 (ATAC-STARR-seq lymphoblastoid silent region 3530; plus strand). Cytogenetic location: 11q13.1.
Variant type: single nucleotide variant.
Coding change: c.3392C>T on transcript NM_001130144.3 (MANE Select); coding-DNA position 3392, C replaced by T.
Protein change: p.Ala1131Val; replaces alanine 1131 with valine.
Molecular consequence: missense variant.
Genome position (GRCh38, 1-based): chr11:65,539,875, G>A on the plus strand (C>T on the coding strand, the complement: LTBP3 is on the minus strand). VCF-style: chr11-65539875-G-A. GRCh37 (hg19) VCF-style: chr11-65307346-G-A.
Other names: c.3392C>T (NM_001130144.2); c.2900C>T, p.Ala967Val (NM_001164266.1); c.3251C>T, p.Ala1084Val (NM_021070.4); short protein forms A967V, A1131V, A1084V.
Identifiers: ClinVar variation 1377363 (VCV001377363.7), dbSNP rs1338933893, ClinGen allele CA381266979.

ClinVar aggregate classification (germline): Uncertain significance. Review status: criteria provided, multiple submitters, no conflicts (2 of 4 stars). 2 submissions from 2 submitters: Uncertain significance (2). Last evaluated 2023-05-10.

Conditions:
Brachyolmia-amelogenesis imperfecta syndrome. Also called: PLATYSPONDYLY WITH AMELOGENESIS IMPERFECTA; Tooth agenesis, selective, 6; Dental anomalies and short stature. Identifiers: Orphanet 2899, MedGen C1832594, MONDO:0011018, OMIM 601216. Disease mechanism: loss of function.
Geleophysic dysplasia 3. Identifiers: MedGen C4540511, MONDO:0054722, OMIM 617809.

Allele frequency attached by ClinVar (database versions not stated): TOPMed below 0.00001; gnomAD 0.00001; gnomAD exomes 0.00001.
gnomAD v4.1: 3 of 1,513,254 alleles (0.0002%); highest among the groups gnomAD compares: East Asian, 0.0052%; no homozygotes.

Submissions (2):

New York Genome Center
Classification: Uncertain significance for Geleophysic dysplasia 3; Brachyolmia-amelogenesis imperfecta syndrome. Last evaluated: 2023-05-10. Review status: criteria provided, single submitter. Criteria: NYGC Assertion Criteria 2020. Collection method: clinical testing. Allele origin: inherited. Observed: 1 heterozygote.

Labcorp Genetics (formerly Invitae), Labcorp
Classification: Uncertain significance for Brachyolmia-amelogenesis imperfecta syndrome. Last evaluated: 2021-12-06. Review status: criteria provided, single submitter. Criteria: Invitae Variant Classification Sherloc (09022015). Collection method: clinical testing. Allele origin: germline.
Comment: In summary, the available evidence is currently insufficient to determine the role of this variant in disease. Therefore, it has been classified as a Variant of Uncertain Significance. This sequence change replaces alanine, which is neutral and non-polar, with valine, which is neutral and non-polar, at codon 1131 of the LTBP3 protein (p.Ala1131Val). The frequency data for this variant in the population databases is considered unreliable, as metrics indicate poor data quality at this position in the gnomAD database. This variant has not been reported in the literature in individuals affected with LTBP3-related conditions. Algorithms developed to predict the effect of missense changes on protein structure and function output the following: SIFT: "Tolerated"; PolyPhen-2: "Benign"; Align-GVGD: "Class C0". The valine amino acid residue is found in multiple mammalian species, which suggests that this missense change does not adversely affect protein function.